The following is an entry in ClinVar:

NM_000061.3(BTK):c.1697C>G (p.Pro566Arg)

Gene: BTK (Bruton tyrosine kinase; minus strand). Cytogenetic location: Xq22.1.
Variant type: single nucleotide variant.
Coding change: c.1697C>G on transcript NM_000061.3 (MANE Select); coding-DNA position 1697, C replaced by G.
Protein change: p.Pro566Arg; replaces proline 566 with arginine.
Molecular consequence: missense variant.
Genome position (GRCh38, 1-based): chrX:101,353,923, G>C on the plus strand (C>G on the coding strand, the complement: BTK is on the minus strand). VCF-style: chrX-101353923-G-C. GRCh37 (hg19) VCF-style: chrX-100608911-G-C.
Other names: c.1799C>G, p.Pro600Arg (NM_001287344.2); c.1169C>G, p.Pro390Arg (NM_001287345.2); short protein forms P390R, P566R, P600R.
Identifiers: ClinVar variation 646878 (VCV000646878.9), dbSNP rs1057521814, ClinGen allele CA413920443.

ClinVar aggregate classification (germline): Pathogenic (1 of 4 stars; one submission).

Conditions:
X-linked agammaglobulinemia with growth hormone deficiency (IGHD3). Also called: ISOLATED GROWTH HORMONE DEFICIENCY, TYPE III, WITH AGAMMAGLOBULINEMIA; FLEISHER SYNDROME; HYPOGAMMAGLOBULINEMIA AND ISOLATED GROWTH HORMONE DEFICIENCY, X-LINKED; IGHD III; AGAMMAGLOBULINEMIA AND ISOLATED GROWTH HORMONE DEFICIENCY, X-LINKED; Isolated growth hormone deficiency type 3. Identifiers: Orphanet 231692, Orphanet 631, MedGen C0472813, MONDO:0010615, OMIM 307200.

Submission:

Labcorp Genetics (formerly Invitae), Labcorp
Classification: Pathogenic for X-linked agammaglobulinemia with growth hormone deficiency. Last evaluated: 2020-04-03. Review status: criteria provided, single submitter. Criteria: Invitae Variant Classification Sherloc (09022015). Collection method: clinical testing. Allele origin: germline.
Comment: For these reasons, this variant has been classified as Pathogenic. This variant disrupts the p.Pro566 amino acid residue in BTK. Other variant(s) that disrupt this residue have been observed in individuals with BTK-related conditions (PMID: 11438999, 27593100), suggesting that it is a clinically significant residue. As a result, variants that disrupt this residue are likely to be causative of disease. Algorithms developed to predict the effect of missense changes on protein structure and function (SIFT, PolyPhen-2, Align-GVGD) all suggest that this variant is likely to be disruptive, but these predictions have not been confirmed by published functional studies and their clinical significance is uncertain. This variant has been observed to be de novo in an individual affected with X-linked agammaglobulinemia (PMID: 23335184). This variant is not present in population databases (ExAC no frequency). This sequence change replaces proline with arginine at codon 566 of the BTK protein (p.Pro566Arg). The proline residue is highly conserved and there is a moderate physicochemical difference between proline and arginine.

Literature cited by the submitters: PubMed 11438999; PubMed 27593100; PubMed 23335184.